The following is an entry in ClinVar:

ClinVar aggregate classification (germline): Uncertain significance (1 of 4 stars; one submission).

gnomAD v4.1: 33 of 1,544,034 alleles (0.0021%); highest among the groups gnomAD compares: East Asian, 0.02%; no homozygotes.

Submission:

Ambry Genetics
Classification: Uncertain significance. Last evaluated: 2024-10-15. Review status: criteria provided, single submitter. Criteria: Ambry Variant Classification Scheme 2023. Collection method: clinical testing. Allele origin: germline.
Comment: The p.V1837M variant (also known as c.5509G>A), located in coding exon 22 of the WNK2 gene, results from a G to A substitution at nucleotide position 5509. The valine at codon 1837 is replaced by methionine, an amino acid with highly similar properties. This amino acid position is conserved. In addition, this alteration is predicted to be tolerated by in silico analysis. Based on the available evidence, the clinical significance of this variant remains unclear.

NM_006648.4(WNK2):c.5509G>A (p.Val1837Met)

Gene: WNK2 (WNK lysine deficient protein kinase 2; plus strand). Cytogenetic location: 9q22.31.
Variant type: single nucleotide variant.
Coding change: c.5509G>A on transcript NM_006648.4 (MANE Select); coding-DNA position 5509, G replaced by A.
Protein change: p.Val1837Met; replaces valine 1837 with methionine.
Molecular consequence: missense variant.
Genome position (GRCh38, 1-based): chr9:93,292,974, G>A. VCF-style: chr9-93292974-G-A. GRCh37 (hg19) VCF-style: chr9-96055256-G-A.
Other names: c.5620G>A, p.Val1874Met (NM_001282394.3); short protein forms V1874M, V1837M.
Identifiers: ClinVar variation 3470118 (VCV003470118.1).